The following is an entry in ClinVar:

NM_002474.3(MYH11):c.358C>G (p.Leu120Val)

Gene: MYH11 (myosin heavy chain 11; minus strand). Cytogenetic location: 16p13.11.
Variant type: single nucleotide variant.
Coding change: c.358C>G on transcript NM_002474.3 (MANE Select); coding-DNA position 358, C replaced by G.
Protein change: p.Leu120Val; replaces leucine 120 with valine.
Molecular consequence: missense variant.
Genome position (GRCh38, 1-based): chr16:15,823,399, G>C on the plus strand (C>G on the coding strand, the complement: MYH11 is on the minus strand). VCF-style: chr16-15823399-G-C. GRCh37 (hg19) VCF-style: chr16-15917256-G-C.
Other names: c.358C>G, p.Leu120Val (NM_001040113.2, NM_001040114.2, NM_022844.3); short protein forms L120V.
Identifiers: ClinVar variation 3897122 (VCV003897122.1).

ClinVar aggregate classification (germline): Uncertain significance (1 of 4 stars; one submission).

gnomAD v4.1: 14 of 1,614,166 alleles (0.00087%); highest among the groups gnomAD compares: Non-Finnish European, 0.0011%; no homozygotes.

Submission:

GeneDx
Classification: Uncertain significance. Last evaluated: 2024-11-04. Review status: criteria provided, single submitter. Criteria: GeneDx Variant Classification Process June 2021. Collection method: clinical testing. Allele origin: germline. Affected: yes.
Comment: Not observed at significant frequency in large population cohorts (gnomAD); In silico analysis supports that this missense variant has a deleterious effect on protein structure/function; Has not been previously published as pathogenic or benign to our knowledge